The following is an entry in ClinVar:

ClinVar aggregate classification (germline): Likely pathogenic (1 of 4 stars; one submission).

Submission:

Baylor Genetics
Classification: Likely pathogenic. Last evaluated: 2018-11-01. Review status: criteria provided, single submitter. Criteria: ACMG CNV Guidelines, 2011. Collection method: clinical testing. Allele origin: germline. Observed: 1 variant allele.

GRCh37/hg19 3q21.2-21.3(chr3:124369671-126423192)

Genes: ALDH1L1 (aldehyde dehydrogenase 1 family member L1; minus strand), C3orf22 (chromosome 3 open reading frame 22; minus strand), CFAP100 (cilia and flagella associated protein 100; plus strand), CHCHD6 (coiled-coil-helix-coiled-coil-helix domain containing 6; plus strand), CHST13 (carbohydrate sulfotransferase 13; plus strand) and 16 more. Cytogenetic location: 3q21.2-21.3.
Variant type: copy number loss.
Identifiers: ClinVar variation 625698 (VCV000625698.1).